The following is an entry in ClinVar:

NM_001130987.2(DYSF):c.5174+2T>C

Gene: DYSF (dysferlin; plus strand). Cytogenetic location: 2p13.2.
Variant type: single nucleotide variant.
Coding change: c.5174+2T>C on transcript NM_001130987.2 (MANE Select); the canonical splice donor site of the intron after coding-DNA position 5174, T replaced by C.
Molecular consequence: splice donor variant.
Genome position (GRCh38, 1-based): chr2:71,664,440, T>C. VCF-style: chr2-71664440-T-C. GRCh37 (hg19) VCF-style: chr2-71891570-T-C.
Other names: c.5150+2T>C (NM_001130979.2); c.5171+2T>C (NM_001130981.2); c.5108+2T>C (NM_001130980.2); c.5120+2T>C (NM_001130978.2); c.5057+2T>C (NM_003494.4); c.5078+2T>C (NM_001130977.2); c.5015+2T>C (NM_001130976.2); c.5153+2T>C (NM_001130982.2); and 5 more.
Identifiers: ClinVar variation 557046 (VCV000557046.6), dbSNP rs1553412826, ClinGen allele CA347220710.
Genomic context (GRCh38, chr2:71,664,440, plus strand): 5'-GAGAACAGGCTGCTGTCCAAGTTTGGGGCTCGCTGTGGACTCCCACAGACCTACTGTGTG[T>C]ACGTGGATGGGGGCTGGCTGCCTGCTTCTCTGACAACACACCACCCCTGTCTTCTCTGAC-3'

ClinVar aggregate classification (germline): Likely pathogenic. Review status: criteria provided, multiple submitters, no conflicts (2 of 4 stars). 3 submissions from 3 submitters: Likely pathogenic (2). 1 of the submissions does not count toward it. Last evaluated 2024-01-29.

Conditions:
Autosomal recessive limb-girdle muscular dystrophy type 2B (LGMDR2). Also called: MUSCULAR DYSTROPHY, LIMB-GIRDLE, AUTOSOMAL RECESSIVE 2; MUSCULAR DYSTROPHY, LIMB-GIRDLE, TYPE 3; Limb-girdle muscular dystrophy, type 2B; Limb-Girdle Muscular Dystrophy Type 2B (LGMD2B). Identifiers: Orphanet 268, MedGen C1850889, MONDO:0009676, OMIM 253601.
Miyoshi muscular dystrophy 1 (MMD1). Identifiers: Orphanet 45448, MedGen C4551973, MONDO:0024545, OMIM 254130.
Neuromuscular disease caused by qualitative or quantitative defects of dysferlin. Also called: Dysferlinopathy; Qualitative or quantitative defects of dysferlin. Identifiers: Orphanet 207073, MedGen C2931687, MONDO:0016145.

Submissions (3):

Labcorp Genetics (formerly Invitae), Labcorp
Classification: Likely pathogenic for Neuromuscular disease caused by qualitative or quantitative defects of dysferlin. Last evaluated: 2024-01-29. Review status: criteria provided, single submitter. Criteria: Invitae Variant Classification Sherloc (09022015). Collection method: clinical testing. Allele origin: germline.
Comment: This sequence change affects a donor splice site in intron 45 of the DYSF gene. It is expected to disrupt RNA splicing. Variants that disrupt the donor or acceptor splice site typically lead to a loss of protein function (PMID: 16199547), and loss-of-function variants in DYSF are known to be pathogenic (PMID: 17698709, 20301480). This variant is not present in population databases (gnomAD no frequency). This variant has not been reported in the literature in individuals affected with DYSF-related conditions. ClinVar contains an entry for this variant (Variation ID: 557046). Algorithms developed to predict the effect of sequence changes on RNA splicing suggest that this variant may disrupt the consensus splice site. In summary, the currently available evidence indicates that the variant is pathogenic, but additional data are needed to prove that conclusively. Therefore, this variant has been classified as Likely Pathogenic.

Baylor Genetics
Classification: Likely pathogenic for Miyoshi muscular dystrophy 1. Last evaluated: 2023-09-06. Review status: criteria provided, single submitter. Criteria: ACMG Guidelines, 2015. Collection method: clinical testing. Allele origin: unknown.

Counsyl
Classification: Likely pathogenic for Autosomal recessive limb-girdle muscular dystrophy type 2B. Last evaluated: 2018-03-06. Review status: no assertion criteria provided. Collection method: clinical testing. Allele origin: unknown. Not counted in ClinVar's aggregate classification.

Literature cited by the submitters: PubMed 16199547 (cited by Labcorp Genetics (formerly Invitae), Labcorp); PubMed 17698709 (cited by Labcorp Genetics (formerly Invitae), Labcorp); PubMed 20301480 (cited by Labcorp Genetics (formerly Invitae), Labcorp).